The following is an entry in ClinVar:

NM_002439.5(MSH3):c.484G>T (p.Val162Phe)

Gene: MSH3 (mutS homolog 3; plus strand). Cytogenetic location: 5q14.1.
Variant type: single nucleotide variant.
Coding change: c.484G>T on transcript NM_002439.5 (MANE Select); coding-DNA position 484, G replaced by T.
Protein change: p.Val162Phe; replaces valine 162 with phenylalanine.
Molecular consequence: missense variant.
Genome position (GRCh38, 1-based): chr5:80,665,268, G>T. VCF-style: chr5-80665268-G-T. GRCh37 (hg19) VCF-style: chr5-79961087-G-T.
Other names: short protein forms V162F.
Identifiers: ClinVar variation 3913659 (VCV003913659.2).

ClinVar aggregate classification (germline): Uncertain significance. Review status: criteria provided, multiple submitters, no conflicts (2 of 4 stars). 2 submissions from 2 submitters: Uncertain significance (2). Last evaluated 2025-05-27.

Conditions:
Hereditary cancer-predisposing syndrome. Also called: Hereditary Cancer Syndrome; Hereditary neoplastic syndrome; Neoplastic Syndromes, Hereditary; Tumor predisposition. Identifiers: Orphanet 140162, MedGen C0027672, MeSH D009386, MONDO:0015356.

Submissions (2):

Ambry Genetics
Classification: Uncertain significance for Hereditary cancer-predisposing syndrome. Last evaluated: 2025-05-27. Review status: criteria provided, single submitter. Criteria: Ambry Variant Classification Scheme 2023. Collection method: clinical testing. Allele origin: germline.
Comment: The p.V162F variant (also known as c.484G>T), located in coding exon 3 of the MSH3 gene, results from a G to T substitution at nucleotide position 484. The valine at codon 162 is replaced by phenylalanine, an amino acid with highly similar properties. This amino acid position is conserved. In addition, the in silico prediction for this alteration is inconclusive. Based on the available evidence, the clinical significance of this variant remains unclear.

Labcorp Genetics (formerly Invitae), Labcorp
Classification: Uncertain significance. Last evaluated: 2025-03-04. Review status: criteria provided, single submitter. Criteria: Invitae Variant Classification Sherloc (09022015). Collection method: clinical testing. Allele origin: germline.
Comment: This sequence change replaces valine, which is neutral and non-polar, with phenylalanine, which is neutral and non-polar, at codon 162 of the MSH3 protein (p.Val162Phe). This variant is not present in population databases (gnomAD no frequency). This variant has not been reported in the literature in individuals affected with MSH3-related conditions. An algorithm developed to predict the effect of missense changes on protein structure and function (PolyPhen-2) suggests that this variant is likely to be disruptive. In summary, the available evidence is currently insufficient to determine the role of this variant in disease. Therefore, it has been classified as a Variant of Uncertain Significance.